The following is an entry in ClinVar:

ClinVar aggregate classification (germline): Likely pathogenic (1 of 4 stars; one submission).

Conditions:
Intellectual developmental disorder, autosomal dominant 56. Also called: MENTAL RETARDATION, AUTOSOMAL DOMINANT 56; Intellectual disability, autosomal dominant 56. Identifiers: MedGen C4693389, MONDO:0030922, OMIM 617854.

Submission:

Dasa
Classification: Likely pathogenic for Intellectual developmental disorder, autosomal dominant 56. Last evaluated: 2025-12-08. Review status: criteria provided, single submitter. Criteria: DASA Assertion Criteria. Collection method: clinical testing. Allele origin: germline.
Comment: NM_004859.4(CLTC):c.2602G>T (p.Glu868*) is a nonsense variant in CLTC predicted to introduce a premature termination codon and is predicted to result in an absent or altered protein product. Loss of function is an established disease mechanism for CLTC (PMID: 31776469; PMID: 26822784; PMID: 33041083). Also, this variant is absent from population databases. Based on the currently available evidence, this variant is classified as likely pathogenic.

Literature cited by the submitters: PubMed 31776469; PubMed 26822784; PubMed 33041083.

NM_004859.4(CLTC):c.2602G>T (p.Glu868Ter)

Gene: CLTC (clathrin heavy chain; plus strand). Cytogenetic location: 17q23.1.
Variant type: single nucleotide variant.
Coding change: c.2602G>T on transcript NM_004859.4 (MANE Select); coding-DNA position 2602, G replaced by T.
Protein change: p.Glu868Ter; replaces glutamic acid 868 with a stop codon.
Molecular consequence: nonsense.
Genome position (GRCh38, 1-based): chr17:59,676,994, G>T. VCF-style: chr17-59676994-G-T. GRCh37 (hg19) VCF-style: chr17-57754355-G-T.
Other names: c.2614G>T, p.Glu872Ter (NM_001288653.2); short protein forms E868*, E872*.
Identifiers: ClinVar variation 4884186 (VCV004884186.2).